The following is an entry in ClinVar:

NM_007294.4(BRCA1):c.5026T>G (p.Leu1676Val)

Gene: BRCA1 (BRCA1 DNA repair associated; minus strand). Cytogenetic location: 17q21.31.
Variant type: single nucleotide variant.
Coding change: c.5026T>G on transcript NM_007294.4 (MANE Select); coding-DNA position 5026, T replaced by G.
Protein change: p.Leu1676Val; replaces leucine 1676 with valine.
Molecular consequence: missense variant. On other transcripts: non-coding transcript variant (1).
Genome position (GRCh38, 1-based): chr17:43,067,656, A>C on the plus strand (T>G on the coding strand, the complement: BRCA1 is on the minus strand). VCF-style: chr17-43067656-A-C. GRCh37 (hg19) VCF-style: chr17-41219673-A-C.
Other names: c.1501T>G, p.Leu501Val (NM_001408492.1, NM_001408493.1); c.1450T>G, p.Leu484Val (NM_001408503.1, NM_001408504.1, NM_001408502.1); c.1447T>G, p.Leu483Val (NM_001408505.1); c.1390T>G, p.Leu464Val (NM_001408506.1); c.1387T>G, p.Leu463Val (NM_001408507.1); c.1378T>G, p.Leu460Val (NM_001408508.1); c.1375T>G, p.Leu459Val (NM_001408509.1); c.1336T>G, p.Leu446Val (NM_001408510.1); and 70 more; short protein forms L1676V, L572V, L1629V, L1697V, L1547V, L1628V, L1635V, L1648V.
Identifiers: ClinVar variation 868538 (VCV000868538.3), dbSNP rs1567772244, ClinGen allele CA10591463.

Conditions:
Breast-ovarian cancer, familial, susceptibility to, 1 (BROVCA1). Also called: BRCA1 Hereditary Breast and Ovarian Cancer; OVARIAN CANCER, SUSCEPTIBILITY TO. Identifiers: Orphanet 145, MedGen C2676676, MONDO:0011450, OMIM 604370. Disease mechanism: loss of function.

Submission:

Brotman Baty Institute, University of Washington
No classification provided (evidence only). Condition: Breast-ovarian cancer, familial 1. Review status: no classification provided. Collection method: in vitro. Allele origin: not applicable. Functional consequence: functionally_normal.
ClinVar note: "not provided" was previously submitted as the classification for the variant. However, the classification appeared to be based only on an observation of functional data so it was converted to no classification on 2025-07-30.